The following is an entry in ClinVar:

ClinVar aggregate classification (germline): Pathogenic (1 of 4 stars; one submission).

Allele frequency attached by ClinVar (database versions not stated): gnomAD exomes below 0.00001; TOPMed below 0.00001; gnomAD 0.00001.
gnomAD v4.1: 5 of 1,612,622 alleles (0.00031%); highest among the groups gnomAD compares: African/African-American, 0.004%; no homozygotes.

Submission:

Labcorp Genetics (formerly Invitae), Labcorp
Classification: Pathogenic. Last evaluated: 2023-10-18. Review status: criteria provided, single submitter. Criteria: Invitae Variant Classification Sherloc (09022015). Collection method: clinical testing. Allele origin: germline.
Comment: This sequence change affects a donor splice site in intron 2 of the LRAT gene. While this variant is not anticipated to result in nonsense mediated decay, it likely alters RNA splicing and results in a disrupted protein product. This variant is not present in population databases (gnomAD no frequency). This variant has not been reported in the literature in individuals affected with LRAT-related conditions. Variants that disrupt the consensus splice site are a relatively common cause of aberrant splicing (PMID: 17576681, 9536098). Algorithms developed to predict the effect of sequence changes on RNA splicing suggest that this variant may disrupt the consensus splice site. This variant disrupts a region of the LRAT protein in which other variant(s) (p.Leu203*) have been determined to be pathogenic (Invitae). This suggests that this is a clinically significant region of the protein, and that variants that disrupt it are likely to be disease-causing. For these reasons, this variant has been classified as Pathogenic.

Literature cited by the submitters: PubMed 17576681; PubMed 9536098.

NM_004744.5(LRAT):c.540+1G>A

Gene: LRAT (lecithin retinol acyltransferase; plus strand). Cytogenetic location: 4q32.1.
Variant type: single nucleotide variant.
Coding change: c.540+1G>A on transcript NM_004744.5 (MANE Select); the canonical splice donor site of the intron after coding-DNA position 540, G replaced by A.
Molecular consequence: splice donor variant.
Genome position (GRCh38, 1-based): chr4:154,744,867, G>A. VCF-style: chr4-154744867-G-A. GRCh37 (hg19) VCF-style: chr4-155666019-G-A.
Other names: c.540+1G>A (NM_001301645.2).
Identifiers: ClinVar variation 2913774 (VCV002913774.3), dbSNP rs1439470206, ClinGen allele CA358630913.